The following is an entry in ClinVar:

NM_018076.5(ODAD2):c.1745T>A (p.Val582Asp)

Gene: ODAD2 (outer dynein arm docking complex subunit 2; minus strand). Cytogenetic location: 10p12.1.
Variant type: single nucleotide variant.
Coding change: c.1745T>A on transcript NM_018076.5 (MANE Select); coding-DNA position 1745, T replaced by A.
Protein change: p.Val582Asp; replaces valine 582 with aspartic acid.
Molecular consequence: missense variant.
Genome position (GRCh38, 1-based): chr10:27,940,804, A>T on the plus strand (T>A on the coding strand, the complement: ODAD2 is on the minus strand). VCF-style: chr10-27940804-A-T. GRCh37 (hg19) VCF-style: chr10-28229733-A-T.
Other names: c.1745T>A, p.Val582Asp (NM_001290020.2); c.320T>A, p.Val107Asp (NM_001290021.2); c.821T>A, p.Val274Asp (NM_001312689.2); short protein forms V582D, V107D, V274D.
Identifiers: ClinVar variation 2043842 (VCV002043842.4), dbSNP rs1245635112, ClinGen allele CA376392834.

ClinVar aggregate classification (germline): Uncertain significance (1 of 4 stars; one submission).

Conditions:
Primary ciliary dyskinesia 23 (CILD23). Also called: CILIARY DYSKINESIA, PRIMARY, 23, WITH OR WITHOUT SITUS INVERSUS. Identifiers: Orphanet 244, MedGen C3809548, MONDO:0014193, OMIM 615451.

Allele frequency attached by ClinVar (database versions not stated): gnomAD 0.00001; gnomAD exomes 0.00001; TOPMed 0.00001.
gnomAD v4.1: 5 of 1,612,088 alleles (0.00031%); highest among the groups gnomAD compares: Non-Finnish European, 0.00042%; no homozygotes.

Submission:

Labcorp Genetics (formerly Invitae), Labcorp
Classification: Uncertain significance for Primary ciliary dyskinesia 23. Last evaluated: 2022-02-04. Review status: criteria provided, single submitter. Criteria: Invitae Variant Classification Sherloc (09022015). Collection method: clinical testing. Allele origin: germline.
Comment: This missense change has been observed in individual(s) with clinical features of primary ciliary dyskinesia (Invitae). This variant is not present in population databases (gnomAD no frequency). This sequence change replaces valine, which is neutral and non-polar, with aspartic acid, which is acidic and polar, at codon 582 of the ARMC4 protein (p.Val582Asp). Algorithms developed to predict the effect of missense changes on protein structure and function are either unavailable or do not agree on the potential impact of this missense change (SIFT: "Deleterious"; PolyPhen-2: "Probably Damaging"; Align-GVGD: "Class C0"). In summary, the available evidence is currently insufficient to determine the role of this variant in disease. Therefore, it has been classified as a Variant of Uncertain Significance.